The following is an entry in ClinVar:

ClinVar aggregate classification (germline): Likely benign. Review status: criteria provided, multiple submitters, no conflicts (2 of 4 stars). 2 submissions from 2 submitters: Likely benign (2). Last evaluated 2026-06-01.

Conditions:
Inborn genetic diseases. Identifiers: MedGen C0950123, MeSH D030342.

Allele frequency attached by ClinVar (database versions not stated): gnomAD exomes 0.00001; TOPMed 0.00005; ExAC 0.00007; gnomAD 0.00007; ESP Exome Variant Server 0.00008.
gnomAD v4.1: 31 of 1,608,666 alleles (0.0019%); highest among the groups gnomAD compares: East Asian, 0.067%; no homozygotes.

Submissions (2):

CeGaT Center for Human Genetics Tuebingen
Classification: Likely benign. Last evaluated: 2026-06-01. Review status: criteria provided, single submitter. Criteria: CeGaT Center For Human Genetics Tuebingen Variant Classification Criteria Version 2. Collection method: clinical testing. Allele origin: germline. Affected: yes. Observed: 1 variant allele.
Comment: LRRK2: BP4, BP7

Ambry Genetics
Classification: Likely benign for Inborn genetic diseases. Last evaluated: 2022-03-24. Review status: criteria provided, single submitter. Criteria: Ambry Variant Classification Scheme 2023. Collection method: clinical testing. Allele origin: germline.

NM_198578.4(LRRK2):c.5745G>A (p.Arg1915=)

Gene: LRRK2 (leucine rich repeat kinase 2; plus strand). Cytogenetic location: 12q12.
Variant type: single nucleotide variant.
Coding change: c.5745G>A on transcript NM_198578.4 (MANE Select); coding-DNA position 5745, G replaced by A.
Protein change: p.Arg1915=; no amino-acid change (arginine 1915 retained).
Molecular consequence: synonymous variant.
Genome position (GRCh38, 1-based): chr12:40,328,448, G>A. VCF-style: chr12-40328448-G-A. GRCh37 (hg19) VCF-style: chr12-40722250-G-A.
Identifiers: ClinVar variation 1749408 (VCV001749408.4), dbSNP rs369673265, ClinGen allele CA6514527.